The following is an entry in ClinVar:

ClinVar aggregate classification (germline): Likely benign. Review status: criteria provided, multiple submitters, no conflicts (2 of 4 stars). 2 submissions from 2 submitters: Likely benign (2). Last evaluated 2025-08-26.

Conditions:
INPP5E-related disorder. Also called: INPP5E-related condition.
Joubert syndrome. Also called: JOUBERT-BOLTSHAUSER SYNDROME; Familial aplasia of the vermis. Identifiers: Orphanet 475, MedGen C5979921, MONDO:0018772.

Allele frequency attached by ClinVar (database versions not stated): TOPMed below 0.00001.

Submissions (2):

PreventionGenetics, part of Exact Sciences
Classification: Likely benign for INPP5E-related condition. Last evaluated: 2025-08-26. Review status: criteria provided, single submitter. Criteria: ACMG Guidelines, 2015. Collection method: clinical testing. Allele origin: germline.
Comment: This variant is classified as likely benign based on ACMG/AMP sequence variant interpretation guidelines (Richards et al. 2015 PMID: 25741868, with internal and published modifications).

Labcorp Genetics (formerly Invitae), Labcorp
Classification: Likely benign for Joubert syndrome. Last evaluated: 2023-04-09. Review status: criteria provided, single submitter. Criteria: Invitae Variant Classification Sherloc (09022015). Collection method: clinical testing. Allele origin: germline.

NM_019892.6(INPP5E):c.729G>A (p.Leu243=)

Gene: INPP5E (inositol polyphosphate-5-phosphatase E; minus strand). Cytogenetic location: 9q34.3.
Variant type: single nucleotide variant.
Coding change: c.729G>A on transcript NM_019892.6 (MANE Select); coding-DNA position 729, G replaced by A.
Protein change: p.Leu243=; no amino-acid change (leucine 243 retained).
Molecular consequence: synonymous variant.
Genome position (GRCh38, 1-based): chr9:136,438,691, C>T on the plus strand (G>A on the coding strand, the complement: INPP5E is on the minus strand). VCF-style: chr9-136438691-C-T. GRCh37 (hg19) VCF-style: chr9-139333143-C-T.
Other names: c.729G>A, p.Leu243= (NM_001318502.2); c.729G>A (NM_019892.5).
Identifiers: ClinVar variation 2827837 (VCV002827837.4), dbSNP rs936809854, ClinGen allele CA201648354.